The following is an entry in ClinVar:

NM_020987.5(ANK3):c.3970G>A (p.Val1324Ile)

Gene: ANK3 (ankyrin 3; minus strand). Cytogenetic location: 10q21.2.
Variant type: single nucleotide variant.
Coding change: c.3970G>A on transcript NM_020987.5 (MANE Select); coding-DNA position 3970, G replaced by A.
Protein change: p.Val1324Ile; replaces valine 1324 with isoleucine.
Molecular consequence: missense variant.
Genome position (GRCh38, 1-based): chr10:60,084,706, C>T on the plus strand (G>A on the coding strand, the complement: ANK3 is on the minus strand). VCF-style: chr10-60084706-C-T. GRCh37 (hg19) VCF-style: chr10-61844464-C-T.
Other names: c.3970G>A (NM_020987.4); c.1372G>A, p.Val458Ile (NM_001149.4); c.3952G>A, p.Val1318Ile (NM_001204403.2); c.3973G>A, p.Val1325Ile (NM_001204404.2); c.3970G>A, p.Val1324Ile (NM_001320874.2); short protein forms V1318I, V1324I, V1325I, V458I.
Identifiers: ClinVar variation 1184362 (VCV001184362.10), dbSNP rs755265993, ClinGen allele CA5512361.

ClinVar aggregate classification (germline): Uncertain significance. Review status: criteria provided, multiple submitters, no conflicts (2 of 4 stars). 4 submissions from 4 submitters: Uncertain significance (3). 1 of the submissions does not count toward it. Last evaluated 2026-06-23.

Conditions:
ANK3-related disorder. Also called: ANK3-related condition.
Intellectual developmental disorder, autosomal recessive 37. Also called: Intellectual disability-hypotonia-spasticity-sleep disorder syndrome. Identifiers: Orphanet 356996, MedGen C3809672, MONDO:0014210, OMIM 615493.

Allele frequency attached by ClinVar (database versions not stated): gnomAD 0.00005 and 0.00006; gnomAD exomes 0.00001 and 0.00002; ExAC 0.00002; TOPMed 0.00005.
gnomAD v4.1: 20 of 1,613,628 alleles (0.0012%); highest among the groups gnomAD compares: African/African-American, 0.011%; no homozygotes.

Submissions (4):

Women's Health and Genetics/Laboratory Corporation of America, LabCorp
Classification: Uncertain significance. Last evaluated: 2026-06-23. Review status: criteria provided, single submitter. Criteria: LabCorp Variant Classification Summary - May 2015. Collection method: clinical testing. Allele origin: germline.
Comment: Variant summary: ANK3 c.3970G>A (p.Val1324Ile) results in a conservative amino acid change in the encoded protein sequence. Algorithms developed to predict the effect of missense changes on protein structure and function are either unavailable or do not agree on the potential impact of this missense change. The variant allele was found at a frequency of 1.6e-05 in 250928 control chromosomes. The available data on variant occurrences in the general population are insufficient to allow any conclusion about variant significance. To our knowledge, no occurrence of c.3970G>A in individuals affected with ANK3-related conditions and no experimental evidence demonstrating its impact on protein function have been reported. ClinVar contains an entry for this variant (Variation ID: 1184362). Based on the evidence outlined above, the variant was classified as uncertain significance.

Labcorp Genetics (formerly Invitae), Labcorp
Classification: Uncertain significance. Last evaluated: 2021-09-26. Review status: criteria provided, single submitter. Criteria: Invitae Variant Classification Sherloc (09022015). Collection method: clinical testing. Allele origin: germline.
Comment: ClinVar contains an entry for this variant (Variation ID: 1184362). This variant has not been reported in the literature in individuals affected with ANK3-related conditions. This variant is present in population databases (rs755265993, ExAC 0.01%). This sequence change replaces valine with isoleucine at codon 1324 of the ANK3 protein (p.Val1324Ile). The valine residue is highly conserved and there is a small physicochemical difference between valine and isoleucine. Algorithms developed to predict the effect of missense changes on protein structure and function output the following: SIFT: "Not Available"; PolyPhen-2: "Benign"; Align-GVGD: "Not Available". The isoleucine amino acid residue is found in multiple mammalian species, which suggests that this missense change does not adversely affect protein function. In summary, the available evidence is currently insufficient to determine the role of this variant in disease. Therefore, it has been classified as a Variant of Uncertain Significance.

New York Genome Center
Classification: Uncertain significance for Intellectual developmental disorder, autosomal recessive 37. Last evaluated: 2020-07-14. Review status: criteria provided, single submitter. Criteria: NYGC Assertion Criteria 2020. Collection method: clinical testing. Allele origin: inherited. Observed: 1 compound heterozygote. Study: CSER-NYCKidSeq.
Comment: The inherited c.3970G>A (p.Val1324Ile) variant identified in the ANK3 gene substitutes a well conserved Valine for Isoleucine at amino acid 1324/4378 (exon 32/44). This variant is found with low frequency in gnomAD (8 heterozygotes, 0 homozygotes; allele frequency: 5.59e-5) suggesting it is not a common benign variant in the populations represented in that database. In silico algorithms predict this variant to be Neutral (Provean; score: 0.2) and Tolerated (SIFT; score: 0.447) to the function ofthe canonical transcript. This variant is absent from ClinVar and to our current knowledge has not been reported in affected individuals in the literature. The p.Val1324 residue is not within a mapped domain of ANK3 (UniProtKB:Q12955). Given the lack of compelling evidence for its pathogenicity, the inherited c.3970G>A (p.Val1324Ile) variant identified in the ANK3 gene is reported here as a Variant of Uncertain Significance.

PreventionGenetics, part of Exact Sciences
Classification: Uncertain significance for ANK3-related condition. Last evaluated: 2024-01-10. Review status: no assertion criteria provided. Collection method: clinical testing. Allele origin: germline. Not counted in ClinVar's aggregate classification.
Comment: The ANK3 c.3970G>A variant is predicted to result in the amino acid substitution p.Val1324Ile. To our knowledge, this variant has not been reported in the literature. This variant is reported in 0.0098% of alleles in individuals of South Asian descent in gnomAD. At this time, the clinical significance of this variant is uncertain due to the absence of conclusive functional and genetic evidence.